The following is an entry in ClinVar:

ClinVar aggregate classification (germline): Conflicting classifications of pathogenicity. Review status: criteria provided, conflicting classifications (1 of 4 stars). 4 submissions from 4 submitters: Likely pathogenic (1); Uncertain significance (3). Last evaluated 2025-12-29.

Conditions:
Familial melanoma. Also called: Hereditary melanoma; Hereditary cutaneous melanoma. Identifiers: Orphanet 618, MedGen C1512419, MONDO:0018961.
Hereditary cancer-predisposing syndrome. Also called: Tumor predisposition; Neoplastic Syndromes, Hereditary; Hereditary neoplastic syndrome; Hereditary Cancer Syndrome. Identifiers: Orphanet 140162, MedGen C0027672, MeSH D009386, MONDO:0015356.

Allele frequency attached by ClinVar (database versions not stated): ExAC 0.00001; TOPMed 0.00002.
gnomAD v4.1: 2 of 1,594,886 alleles (0.00013%); highest among the groups gnomAD compares: East Asian, 0.0022%; no homozygotes.

Submissions (4):

Center for Genomic Medicine, Rigshospitalet, Copenhagen University Hospital
Classification: Uncertain significance. Last evaluated: 2025-12-29. Review status: criteria provided, single submitter. Criteria: ACMG Guidelines, 2015. Collection method: clinical testing. Allele origin: germline.

Ambry Genetics
Classification: Likely pathogenic for Hereditary cancer-predisposing syndrome. Last evaluated: 2025-12-03. Review status: criteria provided, single submitter. Criteria: Ambry Variant Classification Scheme 2023. Collection method: clinical testing. Allele origin: germline.
Comment: The p.G67S variant (also known as c.199G>A), located in coding exon 2 of the CDKN2A gene, results from a G to A substitution at nucleotide position 199. The glycine at codon 67 is replaced by serine, an amino acid with similar properties. Of note, this alteration is also known as c.242G>A (p.R81Q)in the p14(ARF) isoform. This alteration had been identified in familial melanoma patients (Goldstein AM et al. Cancer Res, 2006 Oct;66:9818-28; Goldstein AM et al. J Med Genet, 2007 Feb;44:99-106; Kannengiesser C et al. Genes Chromosomes Cancer, 2003 Nov;38:265-8). This alteration has been shown to segregate with disease in one family (Holland EA et al. Genes Chromosomes Cancer, 1999 Aug;25:339-48). Protein functional studies have shown that this variant has reduced CDK4/6 binding (McKenzie HA et al. Hum Mutat, 2010 Jun;31:692-701); however it retains normal cell cycle activity (Rizos H et al. J. Biol. Chem., 2001 Nov;276:41424-34; Miller PJ et al. Hum Mutat, 2011 Aug;32:900-11). Based on internal structural analysis, G67S is more disruptive to the CDKN2A-CDK4 interaction interface than several nearby pathogenic variants (Byeon IJ et al. Mol Cell, 1998 Feb;1:421-31; Kannengiesser C et al. Hum Mutat, 2009 Apr;30:564-74; Li J et al. Biochemistry, 2011 Jun;50:5566-82). This amino acid position is highly conserved in available vertebrate species. In addition, this alteration is predicted to be deleterious by in silico analysis. Based on the majority of available evidence to date, this variant is likely to be pathogenic.

Color Diagnostics, LLC DBA Color Health
Classification: Uncertain significance for Hereditary cancer-predisposing syndrome. Last evaluated: 2025-04-10. Review status: criteria provided, single submitter. Criteria: ACMG Guidelines, 2015. Collection method: clinical testing. Allele origin: germline.
Comment: The CDKN2A locus encodes two different gene products, p16INK4a and p14ARF. This missense variant replaces glycine with serine at codon 67 of the CDKN2A (p16INK4A) protein. Computational prediction suggests that this variant may have deleterious impact on protein structure and function. Functional studies reported conflicting findings of abnormal CDK4 and CDK6 protein binding and altered subcellular localization but normal cell cycle arrest in transfected mammalian cells (PMID: 11518711, 20340136, 21462282). This variant has been reported in two familial melanoma pedigrees and shown to segregate with disease (PMID: 10398427, 14506702). This variant has been identified in 1/213440 chromosomes in the general population by the Genome Aggregation Database (gnomAD). The available evidence is insufficient to determine the role of this variant in disease conclusively. Therefore, this variant is classified as a Variant of Uncertain Significance.

Labcorp Genetics (formerly Invitae), Labcorp
Classification: Uncertain significance for Familial melanoma. Last evaluated: 2025-04-01. Review status: criteria provided, single submitter. Criteria: Invitae Variant Classification Sherloc (09022015). Collection method: clinical testing. Allele origin: germline.
Comment: The CDKN2A gene encodes two different proteins, p16INK4a and p14ARF, which are translated from alternative transcripts with different open reading frames. Both transcripts have been analyzed. We report either the variant with the higher classification or default to the CDKN2A (p16INK4a) variant. This report therefore includes the details for the CDKN2A (p16INK4a) variant. This sequence change replaces glycine, which is neutral and non-polar, with serine, which is neutral and polar, at codon 67 of the CDKN2A (p16INK4a) protein (p.Gly67Ser). The frequency data for this variant in the population databases is considered unreliable, as metrics indicate poor data quality at this position in the gnomAD database. This missense change has been observed in individual(s) with melanoma and/or pancreatic cancer (PMID: 10398427, 12175554, 14506702, 19260062, 10390011). It has also been observed to segregate with disease in related individuals. This variant is also known as c.242G>A (p.Arg81Gln) in the CDKN2A (p14ARF) transcript. ClinVar contains an entry for this variant (Variation ID: 925139). An algorithm developed to predict the effect of missense changes on protein structure and function (PolyPhen-2) suggests that this variant is likely to be disruptive. Experimental studies are conflicting or provide insufficient evidence to determine the effect of this variant on CDKN2A (p16INK4a) function (PMID: 11518711, 19260062, 20340136, 21462282). In summary, the available evidence is currently insufficient to determine the role of this variant in disease. Therefore, it has been classified as a Variant of Uncertain Significance.

Literature cited by the submitters: PubMed 10398427 (cited by 4 submitters); PubMed 11518711 (cited by 3 submitters); PubMed 12072543 (cited by Ambry Genetics); PubMed 14506702 (cited by 3 submitters); PubMed 16905682 (cited by Ambry Genetics); PubMed 17047042 (cited by Ambry Genetics); PubMed 19260062 (cited by Ambry Genetics and Labcorp Genetics (formerly Invitae), Labcorp); PubMed 20340136 (cited by 3 submitters); PubMed 21462282 (cited by 3 submitters); PubMed 21619050 (cited by Ambry Genetics); PubMed 22841127 (cited by Ambry Genetics); PubMed 9660926 (cited by Ambry Genetics); PubMed 12175554 (cited by Labcorp Genetics (formerly Invitae), Labcorp); PubMed 10390011 (cited by Labcorp Genetics (formerly Invitae), Labcorp).

NM_000077.5(CDKN2A):c.199G>A (p.Gly67Ser)

Gene: CDKN2A (cyclin dependent kinase inhibitor 2A; minus strand). Cytogenetic location: 9p21.3.
Variant type: single nucleotide variant.
Coding change: c.199G>A on transcript NM_000077.5; coding-DNA position 199, G replaced by A.
Protein change: p.Gly67Ser; replaces glycine 67 with serine.
Molecular consequence: missense variant (on NM_000077.6). On other transcripts: 3 prime UTR variant (1).
Genome position (GRCh38, 1-based): chr9:21,971,160, C>T on the plus strand (G>A on the coding strand, the complement: CDKN2A is on the minus strand). VCF-style: chr9-21971160-C-T. GRCh37 (hg19) VCF-style: chr9-21971159-C-T.
Other names: c.199G>A, p.Gly67Ser (NM_000077.6, NM_001195132.2); c.46G>A, p.Gly16Ser (NM_001363763.2); c.242G>A, p.Arg81Gln (NM_058195.4); c.*122G>A (NM_058197.5); short protein forms R81Q, G67S, G16S.
Identifiers: ClinVar variation 925139 (VCV000925139.17), dbSNP rs758389471, ClinGen allele CA5012208.